The following is an entry in ClinVar:

ClinVar aggregate classification (germline): Benign/Likely benign. Review status: criteria provided, multiple submitters, no conflicts (2 of 4 stars). 2 submissions from 2 submitters: Benign (1); Likely benign (1). Last evaluated 2025-12-30.

Conditions:
Cornelia de Lange syndrome 3 (CDLS3). Also called: SMC3-Related Cornelia de Lange Syndrome; CORNELIA DE LANGE SYNDROME 3 WITH OR WITHOUT MIDLINE BRAIN DEFECTS. Identifiers: Orphanet 199, MedGen C1853099, MONDO:0012555, OMIM 610759.

Submissions (2):

Labcorp Genetics (formerly Invitae), Labcorp
Classification: Benign for Cornelia de Lange syndrome 3. Last evaluated: 2025-12-30. Review status: criteria provided, single submitter. Criteria: Invitae Variant Classification Sherloc (09022015). Collection method: clinical testing. Allele origin: germline.

GeneDx
Classification: Likely benign. Last evaluated: 2018-02-16. Review status: criteria provided, single submitter. Criteria: GeneDx Variant Classification (06012015). Collection method: clinical testing. Allele origin: germline. Affected: yes.
Comment: This variant is considered likely benign or benign based on one or more of the following criteria: it is a conservative change, it occurs at a poorly conserved position in the protein, it is predicted to be benign by multiple in silico algorithms, and/or has population frequency not consistent with disease.

NM_005445.4(SMC3):c.270+18dup

Gene: SMC3 (structural maintenance of chromosomes 3; plus strand). Cytogenetic location: 10q25.2.
Variant type: Duplication.
Coding change: c.270+18dup on transcript NM_005445.4 (MANE Select); 18 bases into the intron after coding-DNA position 270, one base duplicated (T; older notation c.270+18dupT).
Molecular consequence: intron variant.
Genome position (GRCh38, 1-based): chr10:110,577,510, T duplicated; the last of 9 consecutive T bases (chr10:110,577,502-110,577,510); duplicating any one gives the same sequence. VCF-style (leftmost placement, unchanged base first): chr10-110577501-C-CT. GRCh37 (hg19) VCF-style: chr10-112337259-C-CT.
Other names: c.270+18dupT (NM_005445.3).
Identifiers: ClinVar variation 515620 (VCV000515620.6), dbSNP rs756099489, ClinGen allele CA5687667.